The following is an entry in ClinVar:

ClinVar aggregate classification (germline): Uncertain significance (0 of 4 stars; one submission).

Conditions:
Malignant tumor of breast. Also called: Malignant breast neoplasm; Cancer breast. Identifiers: MedGen C0006142, MONDO:0007254. Disease mechanism: loss of function.

Allele frequency attached by ClinVar (database versions not stated): TOPMed below 0.00001; gnomAD 0.00001.
gnomAD v4.1: 1 of 456,118 alleles (0.00022%); highest among the groups gnomAD compares: African/African-American, 0.002%; no homozygotes.

Submission:

Department of Pathology and Laboratory Medicine, Sinai Health System
Classification: Uncertain significance for Malignant tumor of breast. Review status: no assertion criteria provided. Collection method: clinical testing. Allele origin: unknown. Affected: yes. Study: The Canadian Open Genetics Repository (COGR).
Comment: This c.-44C>T variant is not expected to have clinical significance because it does not alter an amino acid residue and is not located near a splice junction. However, this variant was not identified in the literature and it occurs in the 5' untranslated region of Exon 01 and variants in this region may sometimes effect normal promoter function. In-silico analysis (ESEfinder) suggests this variant may create a novel splicing enhancer site but this information is not very predictive of pathogenicity. Further functional or population studies would be needed to understand the significance of this variant. In summary, based on the above information, the clinical significance of this variant cannot be determined with certainty at this time. This variant is classified as a variant of unknown significance.

NM_007294.4(BRCA1):c.-44C>T

Genes: BRCA1 (BRCA1 DNA repair associated; minus strand), LOC111589215 (BRCA1 promoter region; plus strand). Cytogenetic location: 17q21.31.
Variant type: single nucleotide variant.
Coding change: c.-44C>T on transcript NM_007294.4 (MANE Select); 44 bases upstream of the start codon, C replaced by T.
Molecular consequence: 5 prime UTR variant. On other transcripts: non-coding transcript variant (1).
Genome position (GRCh38, 1-based): chr17:43,125,295, G>A on the plus strand (C>T on the coding strand, the complement: BRCA1 is on the minus strand). VCF-style: chr17-43125295-G-A. GRCh37 (hg19) VCF-style: chr17-41277312-G-A.
Other names: c.-125C>T (NM_007297.4); c.-38C>T (NM_007299.4); c.-44C>T (NM_007300.4).
Identifiers: ClinVar variation 433680 (VCV000433680.3), dbSNP rs1262271602, ClinGen allele CA645372636.